The following is an entry in ClinVar:

NM_024529.5(CDC73):c.1236G>A (p.Met412Ile)

Gene: CDC73 (cell division cycle 73; plus strand). Cytogenetic location: 1q31.2.
Variant type: single nucleotide variant.
Coding change: c.1236G>A on transcript NM_024529.5 (MANE Select); coding-DNA position 1236, G replaced by A.
Protein change: p.Met412Ile; replaces methionine 412 with isoleucine.
Molecular consequence: missense variant.
Genome position (GRCh38, 1-based): chr1:193,233,074, G>A. VCF-style: chr1-193233074-G-A. GRCh37 (hg19) VCF-style: chr1-193202204-G-A.
Other names: short protein forms M412I.
Identifiers: ClinVar variation 462742 (VCV000462742.16), dbSNP rs757006970, ClinGen allele CA1303805.
Genomic context (GRCh38, chr1:193,233,074, plus strand): 5'-GAAGAAACAAGGTTGTCAACGAGAAAATGAAACTCTAATACAAAGAAGAAAAGACCAGAT[G>A]CAACCAGGGGGCACTGCAATTAGTGTTACAGTACCTTATAGAGTAGTAGACCAGCCCCTT-3'
Protein context (NP_078805.3, residues 402-422): ETLIQRRKDQ[Met412Ile]QPGGTAISVT

ClinVar aggregate classification (germline): Conflicting classifications of pathogenicity. Review status: criteria provided, conflicting classifications (1 of 4 stars). 5 submissions from 5 submitters: Uncertain significance (4); Benign (1). Last evaluated 2025-11-17.

Conditions:
Hereditary cancer-predisposing syndrome. Also called: Hereditary neoplastic syndrome; Neoplastic Syndromes, Hereditary; Tumor predisposition; Hereditary Cancer Syndrome. Identifiers: Orphanet 140162, MedGen C0027672, MeSH D009386, MONDO:0015356.
Parathyroid carcinoma (PRTC). Also called: Parathyroid gland carcinoma; CDC73-Related Parathyroid Carcinoma. Identifiers: Orphanet 143, MedGen C0687150, MONDO:0012004, OMIM 608266, HP:0006780.
Hyperparathyroidism 1 (HRPT1). Also called: HYPERPARATHYROIDISM, FAMILIAL ISOLATED PRIMARY. Identifiers: Orphanet 99879, MedGen C1840402, MONDO:0007767, OMIM 145000.
Hyperparathyroidism 2 with jaw tumors. Also called: HYPERPARATHYROIDISM, FAMILIAL PRIMARY, WITH MULTIPLE OSSIFYING JAW FIBROMAS; HYPERPARATHYROIDISM-JAW TUMOR SYNDROME, HEREDITARY; Hyperparathyroidism 2; Hyperparathyroidism-Jaw Tumor Syndrome. Identifiers: Orphanet 99880, MedGen C1704981, MONDO:0007768, OMIM 145001.

Allele frequency attached by ClinVar (database versions not stated): gnomAD exomes 0.00002 and 0.00003; ExAC 0.00003; gnomAD 0.00004; TOPMed 0.00005.
gnomAD v4.1: 33 of 1,612,992 alleles (0.002%); highest among the groups gnomAD compares: Middle Eastern, 0.016%; no homozygotes.

Submissions (5):

Labcorp Genetics (formerly Invitae), Labcorp
Classification: Uncertain significance for Parathyroid carcinoma. Last evaluated: 2025-11-17. Review status: criteria provided, single submitter. Criteria: Invitae Variant Classification Sherloc (09022015). Collection method: clinical testing. Allele origin: germline.
Comment: This sequence change replaces methionine, which is neutral and non-polar, with isoleucine, which is neutral and non-polar, at codon 412 of the CDC73 protein (p.Met412Ile). This variant is present in population databases (rs757006970, gnomAD 0.005%). This variant has not been reported in the literature in individuals affected with CDC73-related conditions. ClinVar contains an entry for this variant (Variation ID: 462742). An algorithm developed to predict the effect of missense changes on protein structure and function outputs the following: PolyPhen-2: "Benign". The isoleucine amino acid residue is found in multiple mammalian species, which suggests that this missense change does not adversely affect protein function. In summary, the available evidence is currently insufficient to determine the role of this variant in disease. Therefore, it has been classified as a Variant of Uncertain Significance.

Baylor Genetics
Classification: Uncertain significance for Hyperparathyroidism 1. Last evaluated: 2024-03-03. Review status: criteria provided, single submitter. Criteria: ACMG Guidelines, 2015. Collection method: clinical testing. Allele origin: unknown.

GeneDx
Classification: Uncertain significance. Last evaluated: 2024-02-12. Review status: criteria provided, single submitter. Criteria: GeneDx Variant Classification Process June 2021. Collection method: clinical testing. Allele origin: germline. Affected: yes.
Comment: In silico analysis supports that this missense variant does not alter protein structure/function; Has not been previously published as pathogenic or benign to our knowledge; This variant is associated with the following publications: (PMID: 15632063, 15923622)

Ambry Genetics
Classification: Benign for Hereditary cancer-predisposing syndrome. Last evaluated: 2023-12-21. Review status: criteria provided, single submitter. Criteria: Ambry Variant Classification Scheme 2023. Collection method: clinical testing. Allele origin: germline.

Fulgent Genetics
Classification: Uncertain significance for Hyperparathyroidism 1; Hyperparathyroidism 2 with jaw tumors; Parathyroid carcinoma. Last evaluated: 2022-03-04. Review status: criteria provided, single submitter. Criteria: ACMG Guidelines, 2015. Collection method: clinical testing. Allele origin: unknown.